The following is an entry in ClinVar:

ClinVar aggregate classification (germline): Likely benign (1 of 4 stars; one submission).

Submission:

CeGaT Center for Human Genetics Tuebingen
Classification: Likely benign. Last evaluated: 2025-03-01. Review status: criteria provided, single submitter. Criteria: CeGaT Center For Human Genetics Tuebingen Variant Classification Criteria Version 2. Collection method: clinical testing. Allele origin: germline. Affected: yes. Observed: 3 variant alleles.
Comment: FRG2C: PM2:Supporting, BP4, BP7

NM_001124759.5(FRG2C):c.487C>A (p.Arg163=)

Gene: FRG2C (FSHD region gene 2 family member C; plus strand). Cytogenetic location: 3p12.3.
Variant type: single nucleotide variant.
Coding change: c.487C>A on transcript NM_001124759.5 (MANE Select); coding-DNA position 487, C replaced by A.
Protein change: p.Arg163=; no amino-acid change (arginine 163 retained).
Molecular consequence: synonymous variant.
Genome position (GRCh38, 1-based): chr3:75,665,679, C>A. VCF-style: chr3-75665679-C-A. GRCh37 (hg19) VCF-style: chr3-75714830-C-A.
Other names: c.484C>A, p.Arg162= (NM_001410775.1).
Identifiers: ClinVar variation 2653973 (VCV002653973.24), dbSNP rs1228157109, ClinGen allele CA434430631.